The following is an entry in ClinVar:

ClinVar aggregate classification (germline): Uncertain significance (1 of 4 stars; one submission).

Conditions:
Familial adenomatous polyposis 1 (FAP1). Also called: FAMILIAL ADENOMATOUS POLYPOSIS 1, ATTENUATED; POLYPOSIS, ADENOMATOUS INTESTINAL. Identifiers: MedGen C2713442, MONDO:0021056, OMIM 175100. Disease mechanism: loss of function.

Submission:

Labcorp Genetics (formerly Invitae), Labcorp
Classification: Uncertain significance for Familial adenomatous polyposis 1. Last evaluated: 2022-05-04. Review status: criteria provided, single submitter. Criteria: Invitae Variant Classification Sherloc (09022015). Collection method: clinical testing. Allele origin: germline.
Comment: In summary, the available evidence is currently insufficient to determine the role of this variant in disease. Therefore, it has been classified as a Variant of Uncertain Significance. Experimental studies and prediction algorithms are not available or were not evaluated, and the functional significance of this variant is currently unknown. This variant has not been reported in the literature in individuals affected with APC-related conditions. This variant is not present in population databases (gnomAD no frequency). This variant occurs in a non-coding region of the APC gene. It does not change the encoded amino acid sequence of the APC protein.

NM_001127511.3(APC):c.-134_-133insGCGCTGCT

Gene: APC (APC regulator of Wnt signaling pathway; plus strand). Cytogenetic location: 5q22.2.
Variant type: Insertion.
Coding change: c.-134_-133insGCGCTGCT on transcript NM_001127511.3; 134 bases upstream of the start codon through 133 bases upstream of the start codon, GCGCTGCT inserted.
Molecular consequence: 5 prime UTR variant. On other transcripts: non-coding transcript variant (2).
Genome position: GRCh38 VCF-style: chr5-112707577-C-CCGCTGCTG. GRCh37 (hg19) VCF-style: chr5-112043274-C-CCGCTGCTG.
Other names: c.-84_-83insGCGCTGCT (NM_001407457.1, NM_001407458.1, NM_001407448.1 and 1 more transcripts); c.-317_-316insGCGCTGCT (NM_001407460.1, NM_001407469.1, NM_001407452.1 and 3 more transcripts); c.-1352_-1351insGCGCTGCT (NM_001407470.1, NM_001407472.1); c.-108_-107insGCGCTGCT (NM_001407453.1); c.-134_-133insGCGCTGCT (NM_001354897.2, NM_001354902.2, NM_001407446.1).
Identifiers: ClinVar variation 2133909 (VCV002133909.4), dbSNP rs2531735676, ClinGen allele CA2580072286.